The following is an entry in ClinVar:

ClinVar aggregate classification (germline): Uncertain significance (1 of 4 stars; one submission).

Conditions:
Gorlin syndrome. Also called: Basal cell nevus syndrome; Nevoid Basal Cell Carcinoma Syndrome. Identifiers: Orphanet 377, MedGen C0004779, MONDO:0007187.
Medulloblastoma (MDB). Also called: MEDULLOBLASTOMA PREDISPOSITION SYNDROME; Medulloblastoma, somatic. Identifiers: Orphanet 616, MedGen C0025149, MeSH D008527, MONDO:0007959, OMIM 155255, HP:0002885.

Submission:

Labcorp Genetics (formerly Invitae), Labcorp
Classification: Uncertain significance for Gorlin syndrome; Medulloblastoma. Last evaluated: 2021-01-31. Review status: criteria provided, single submitter. Criteria: Invitae Variant Classification Sherloc (09022015). Collection method: clinical testing. Allele origin: germline.
Comment: In summary, the available evidence is currently insufficient to determine the role of this variant in disease. Therefore, it has been classified as a Variant of Uncertain Significance. Algorithms developed to predict the effect of missense changes on protein structure and function (SIFT, PolyPhen-2, Align-GVGD) all suggest that this variant is likely to be disruptive, but these predictions have not been confirmed by published functional studies and their clinical significance is uncertain. This variant has not been reported in the literature in individuals with SUFU-related conditions. This variant is not present in population databases (ExAC no frequency). This sequence change replaces glycine with aspartic acid at codon 415 of the SUFU protein (p.Gly415Asp). The glycine residue is highly conserved and there is a moderate physicochemical difference between glycine and aspartic acid.

NM_016169.4(SUFU):c.1244G>A (p.Gly415Asp)

Gene: SUFU (SUFU negative regulator of hedgehog signaling; plus strand). Cytogenetic location: 10q24.32.
Variant type: single nucleotide variant.
Coding change: c.1244G>A on transcript NM_016169.4 (MANE Select); coding-DNA position 1244, G replaced by A.
Protein change: p.Gly415Asp; replaces glycine 415 with aspartic acid.
Molecular consequence: missense variant.
Genome position (GRCh38, 1-based): chr10:102,617,376, G>A. VCF-style: chr10-102617376-G-A. GRCh37 (hg19) VCF-style: chr10-104377133-G-A.
Other names: c.1244G>A, p.Gly415Asp (NM_001178133.2); short protein forms G415D.
Identifiers: ClinVar variation 1438781 (VCV001438781.8), dbSNP rs2135935261, ClinGen allele CA377916575.